The following is an entry in ClinVar:

ClinVar aggregate classification (germline): Uncertain significance (1 of 4 stars; one submission).

Conditions:
Arrhythmogenic right ventricular dysplasia 13. Also called: ARRHYTHMOGENIC RIGHT VENTRICULAR CARDIOMYOPATHY 13; Arrhythmogenic right ventricular dysplasia, familial, 13. Identifiers: MedGen C3810138, MONDO:0000908, OMIM 615616.

Submission:

Labcorp Genetics (formerly Invitae), Labcorp
Classification: Uncertain significance for Arrhythmogenic right ventricular dysplasia 13. Last evaluated: 2025-05-04. Review status: criteria provided, single submitter. Criteria: Invitae Variant Classification Sherloc (09022015). Collection method: clinical testing. Allele origin: germline.
Comment: This sequence change creates a premature translational stop signal (p.Glu119Argfs*14) in the CTNNA3 gene. It is expected to result in an absent or disrupted protein product. However, the current clinical and genetic evidence is not sufficient to establish whether loss-of-function variants in CTNNA3 cause disease. This variant is not present in population databases (gnomAD no frequency). This variant has not been reported in the literature in individuals affected with CTNNA3-related conditions. Algorithms developed to predict the effect of sequence changes on RNA splicing suggest that this variant may create or strengthen a splice site. In summary, the available evidence is currently insufficient to determine the role of this variant in disease. Therefore, it has been classified as a Variant of Uncertain Significance.

NM_013266.4(CTNNA3):c.355del (p.Glu119fs)

Gene: CTNNA3 (catenin alpha 3; minus strand). Cytogenetic location: 10q21.3.
Variant type: Deletion.
Coding change: c.355del on transcript NM_013266.4 (MANE Select); coding-DNA position 355, one base deleted (G; older notation c.355delG).
Protein change: p.Glu119fs; shifts the reading frame from glutamic acid 119.
Molecular consequence: frameshift variant.
Genome position (GRCh38, 1-based): chr10:67,539,607, C deleted on the plus strand (G on the coding strand, the reverse complement: CTNNA3 is on the minus strand); the first of 3 consecutive C bases (chr10:67,539,607-67,539,609); deleting any one gives the same sequence. VCF-style (leftmost placement, unchanged base first): chr10-67539606-TC-T. GRCh37 (hg19) VCF-style: chr10-69299364-TC-T.
Other names: c.355del, p.Glu119fs (NM_001127384.3); c.391del, p.Glu131fs (NM_001291133.2); short protein forms E119fs, E131fs.
Identifiers: ClinVar variation 4737379 (VCV004737379.1).